The following is an entry in ClinVar:

ClinVar aggregate classification (germline): Uncertain significance (1 of 4 stars; one submission).

Submission:

GeneDx
Classification: Uncertain significance. Last evaluated: 2025-06-27. Review status: criteria provided, single submitter. Criteria: GeneDx Variant Classification Process June 2021. Collection method: clinical testing. Allele origin: germline. Affected: yes.
Comment: Not observed at significant frequency in large population cohorts (gnomAD); In silico analysis supports that this missense variant has a deleterious effect on protein structure/function; Has not been previously published as pathogenic or benign to our knowledge

NM_003024.3(ITSN1):c.941G>C (p.Gly314Ala)

Gene: ITSN1 (intersectin 1; plus strand). Cytogenetic location: 21q22.11.
Variant type: single nucleotide variant.
Coding change: c.941G>C on transcript NM_003024.3 (MANE Select); coding-DNA position 941, G replaced by C.
Protein change: p.Gly314Ala; replaces glycine 314 with alanine.
Molecular consequence: missense variant.
Genome position (GRCh38, 1-based): chr21:33,767,727, G>C. VCF-style: chr21-33767727-G-C. GRCh37 (hg19) VCF-style: chr21-35140031-G-C.
Other names: c.941G>C, p.Gly314Ala (NM_001331009.2, NM_001331010.2, NM_001331011.2 and 2 more transcripts); c.830G>C, p.Gly277Ala (NM_001331012.2); short protein forms G277A, G314A.
Identifiers: ClinVar variation 4539866 (VCV004539866.1).